The following is an entry in ClinVar:

ClinVar aggregate classification (germline): Likely pathogenic (1 of 4 stars; one submission).

Submission:

Labcorp Genetics (formerly Invitae), Labcorp
Classification: Likely pathogenic. Last evaluated: 2022-05-20. Review status: criteria provided, single submitter. Criteria: Invitae Variant Classification Sherloc (09022015). Collection method: clinical testing. Allele origin: germline.
Comment: This variant results in a copy number gain of the genomic region encompassing exon(s) 60 of the USH2A gene. While the exact position of this variant cannot be determined from the data, sub-genic copy number gains are generally in tandem (PMID: 25640679). This variant is predicted to be out-of-frame, and may result in an absent or disrupted protein product. Loss-of-function variants in USH2A are known to be pathogenic (PMID: 10729113, 10909849, 20507924, 25649381). This variant has not been reported in the literature in individuals affected with USH2A-related conditions. In summary, the currently available evidence indicates that the variant is pathogenic, but additional data are needed to prove that conclusively. Therefore, this variant has been classified as Likely Pathogenic.

Literature cited by the submitters: PubMed 25640679; PubMed 10729113; PubMed 10909849; PubMed 20507924; PubMed 25649381.

NC_000001.10:g.(?_215914697)_(215914899_?)dup

Gene: USH2A (usherin; minus strand). Cytogenetic location: 1q41.
Variant type: Duplication.
Identifiers: ClinVar variation 2427750 (VCV002427750.4).